The following is an entry in ClinVar:

ClinVar aggregate classification (germline): Likely benign. Review status: criteria provided, multiple submitters, no conflicts (2 of 4 stars). 2 submissions from 2 submitters: Likely benign (2). Last evaluated 2026-07-10.

Conditions:
CACNA1D-related disorder.

Allele frequency attached by ClinVar (database versions not stated): gnomAD 0.00001; ExAC 0.00002; gnomAD exomes 0.00002 and 0.00005; TOPMed 0.00003.
gnomAD v4.1: 32 of 1,612,104 alleles (0.002%); highest among the groups gnomAD compares: Middle Eastern, 0.017%; 1 homozygote.

Submissions (2):

PreventionGenetics, part of Exact Sciences
Classification: Likely benign for CACNA1D-related condition. Last evaluated: 2026-07-10. Review status: criteria provided, single submitter. Criteria: ACMG Guidelines, 2015. Collection method: clinical testing. Allele origin: germline.
Comment: This variant is classified as likely benign based on ACMG/AMP sequence variant interpretation guidelines (Richards et al. 2015 PMID: 25741868, with internal and published modifications).

Labcorp Genetics (formerly Invitae), Labcorp
Classification: Likely benign. Last evaluated: 2025-06-11. Review status: criteria provided, single submitter. Criteria: Invitae Variant Classification Sherloc (09022015). Collection method: clinical testing. Allele origin: germline.

NM_001128840.3(CACNA1D):c.4581G>A (p.Ala1527=)

Gene: CACNA1D (calcium voltage-gated channel subunit alpha1 D; plus strand). Cytogenetic location: 3p21.1.
Variant type: single nucleotide variant.
Coding change: c.4581G>A on transcript NM_001128840.3 (MANE Select); coding-DNA position 4581, G replaced by A.
Protein change: p.Ala1527=; no amino-acid change (alanine 1527 retained).
Molecular consequence: synonymous variant.
Genome position (GRCh38, 1-based): chr3:53,776,950, G>A. VCF-style: chr3-53776950-G-A. GRCh37 (hg19) VCF-style: chr3-53810977-G-A.
Other names: c.4641G>A, p.Ala1547= (NM_000720.4); c.4536G>A, p.Ala1512= (NM_001128839.3); c.4641G>A (NM_000720.3).
Identifiers: ClinVar variation 1585643 (VCV001585643.10), dbSNP rs767677153, ClinGen allele CA2454918.